The following is an entry in ClinVar:

ClinVar aggregate classification (germline): Uncertain significance (1 of 4 stars; one submission).

Conditions:
L-2-hydroxyglutaric aciduria (L2HGA). Identifiers: Orphanet 79314, MedGen C1855995, MONDO:0009370, OMIM 236792, HP:0040144.

gnomAD v4.1: 1 of 1,609,252 alleles (0.000062%); highest among the groups gnomAD compares: East Asian, 0.0022%; no homozygotes.

Submission:

Dubai Health Genomic Medicine Center, Dubai Health
Classification: Uncertain significance for L-2-hydroxyglutaric aciduria. Last evaluated: 2020-02-18. Review status: criteria provided, single submitter. Criteria: ACMG Guidelines, 2015. Collection method: clinical testing. Allele origin: germline. Affected: yes.
Comment: The p.Arg14Gln missense variant in L2HGDH has not been previously reported in affected individuals but was observed in 1/17854 East Asian alleles in gnomAD (Genome Aggregation Database). Conservation analysis and computational tools do not suggest an impact to protein function though this information is not predictive enough to rule out pathogenicity. In summary more information is needed to determine the clinical significance of this variant.

NM_024884.3(L2HGDH):c.41G>A (p.Arg14Gln)

Genes: DMAC2L (distal membrane arm assembly component 2 like; plus strand), L2HGDH (L-2-hydroxyglutarate dehydrogenase; minus strand). Cytogenetic location: 14q21.3.
Variant type: single nucleotide variant.
Coding change: c.41G>A on transcript NM_024884.3 (MANE Select); coding-DNA position 41, G replaced by A.
Protein change: p.Arg14Gln; replaces arginine 14 with glutamine.
Molecular consequence: missense variant. On other transcripts: 5 prime UTR variant (6), intron variant (1).
Genome position (GRCh38, 1-based): chr14:50,312,110, C>T on the plus strand (G>A on the coding strand, the complement: L2HGDH is on the minus strand). VCF-style: chr14-50312110-C-T. GRCh37 (hg19) VCF-style: chr14-50778828-C-T.
Other names: c.41G>A, p.Arg14Gln (NM_001425212.1); c.-214G>A (NM_001425213.1, NM_001425214.1); c.-728G>A (NM_001425215.1); c.-570G>A (NM_001425216.1); c.-663G>A (NM_001425217.1); c.-585G>A (NM_001425218.1); c.-6+256C>T (NM_001382509.1); short protein forms R14Q.
Identifiers: ClinVar variation 1301783 (VCV001301783.4), dbSNP rs776223095, ClinGen allele CA389648889.